The following is an entry in ClinVar:

ClinVar aggregate classification (germline): Uncertain significance (1 of 4 stars; one submission).

Conditions:
Wilms tumor 1 (WT1). Also called: Wilms tumor, somatic. Identifiers: Orphanet 654, MedGen CN033288, MONDO:0008679, OMIM 194070.
Drash syndrome (DDS). Also called: NEPHROPATHY, WILMS TUMOR, AND GENITAL ANOMALIES; WILMS TUMOR AND PSEUDO- OR TRUE HERMAPHRODITISM. Identifiers: Orphanet 220, MedGen C0950121, MONDO:0008682, OMIM 194080.
11p partial monosomy syndrome (WAGR). Also called: WAGR Spectrum Disorder; CHROMOSOME 11p13 DELETION SYNDROME; WAGR syndrome; WAGR Complex. Identifiers: Orphanet 893, MedGen C0206115, MONDO:0008681, OMIM 194072.
Frasier syndrome. Identifiers: Orphanet 347, MedGen C0950122, MeSH D052159, MONDO:0007635, OMIM 136680.

Submission:

Labcorp Genetics (formerly Invitae), Labcorp
Classification: Uncertain significance for Wilms tumor 1; Drash syndrome; 11p partial monosomy syndrome; Frasier syndrome. Last evaluated: 2025-01-31. Review status: criteria provided, single submitter. Criteria: Invitae Variant Classification Sherloc (09022015). Collection method: clinical testing. Allele origin: germline.
Comment: This sequence change affects an acceptor splice site in intron 9 of the WT1 gene. While this variant is not anticipated to result in nonsense mediated decay, it likely alters RNA splicing and results in a disrupted protein product. This variant is not present in population databases (gnomAD no frequency). This variant has not been reported in the literature in individuals affected with WT1-related conditions. Variants that disrupt the consensus splice site are a relatively common cause of aberrant splicing (PMID: 17576681, 9536098). Algorithms developed to predict the effect of sequence changes on RNA splicing suggest that this variant may disrupt the consensus splice site. In summary, the available evidence is currently insufficient to determine the role of this variant in disease. Therefore, it has been classified as a Variant of Uncertain Significance.

Literature cited by the submitters: PubMed 17576681; PubMed 9536098.

NM_024426.6(WT1):c.1448-2A>G

Gene: WT1 (WT1 transcription factor; minus strand). Cytogenetic location: 11p13.
Variant type: single nucleotide variant.
Coding change: c.1448-2A>G on transcript NM_024426.6 (MANE Select); the canonical splice acceptor site of the intron before coding-DNA position 1448, A replaced by G.
Molecular consequence: splice acceptor variant.
Genome position (GRCh38, 1-based): chr11:32,389,181, T>C on the plus strand (A>G on the coding strand, the complement: WT1 is on the minus strand). VCF-style: chr11-32389181-T-C. GRCh37 (hg19) VCF-style: chr11-32410727-T-C.
Other names: c.1274-2A>G (NM_001407050.1); c.1316-2A>G (NM_001407047.1); c.1307-2A>G (NM_001407048.1); c.1304-2A>G (NM_001407049.1); c.1388-2A>G (NM_000378.6); c.1397-2A>G (NM_001407045.1); c.1433-2A>G (NM_001407044.1); c.1355-2A>G (NM_001407046.1); and 9 more.
Identifiers: ClinVar variation 3760166 (VCV003760166.2).